The following is an entry in ClinVar:

NM_170601.5(SIAE):c.214G>A (p.Val72Met)

Gene: SIAE (sialic acid acetylesterase; minus strand). Cytogenetic location: 11q24.2.
Variant type: single nucleotide variant.
Coding change: c.214G>A on transcript NM_170601.5 (MANE Select); coding-DNA position 214, G replaced by A.
Protein change: p.Val72Met; replaces valine 72 with methionine.
Molecular consequence: missense variant.
Genome position (GRCh38, 1-based): chr11:124,669,375, C>T on the plus strand (G>A on the coding strand, the complement: SIAE is on the minus strand). VCF-style: chr11-124669375-C-T. GRCh37 (hg19) VCF-style: chr11-124539271-C-T.
Other names: c.109G>A, p.Val37Met (NM_001199922.2); short protein forms V72M, V37M.
Identifiers: ClinVar variation 2703953 (VCV002703953.3), dbSNP rs2496952277, ClinGen allele CA383121893.

ClinVar aggregate classification (germline): Uncertain significance (1 of 4 stars; one submission).

Allele frequency attached by ClinVar (database versions not stated): gnomAD exomes below 0.00001.
gnomAD v4.1: 2 of 1,614,172 alleles (0.00012%); highest among the groups gnomAD compares: Non-Finnish European, 0.00017%; no homozygotes.

Submission:

Labcorp Genetics (formerly Invitae), Labcorp
Classification: Uncertain significance. Last evaluated: 2023-06-09. Review status: criteria provided, single submitter. Criteria: Invitae Variant Classification Sherloc (09022015). Collection method: clinical testing. Allele origin: germline.
Comment: In summary, the available evidence is currently insufficient to determine the role of this variant in disease. Therefore, it has been classified as a Variant of Uncertain Significance. An algorithm developed to predict the effect of missense changes on protein structure and function (PolyPhen-2) suggests that this variant is likely to be tolerated. This variant has not been reported in the literature in individuals affected with SIAE-related conditions. This variant is not present in population databases (gnomAD no frequency). This sequence change replaces valine, which is neutral and non-polar, with methionine, which is neutral and non-polar, at codon 72 of the SIAE protein (p.Val72Met).